The following is an entry in ClinVar:

ClinVar aggregate classification (germline): Conflicting classifications of pathogenicity. Review status: criteria provided, conflicting classifications (1 of 4 stars). 8 submissions from 8 submitters: Uncertain significance (1); Benign (1); Likely benign (6). Last evaluated 2025-08-28.

Conditions:
Breast and/or ovarian cancer. Identifiers: MedGen CN221562.
Hereditary cancer-predisposing syndrome. Also called: Hereditary Cancer Syndrome; Neoplastic Syndromes, Hereditary; Tumor predisposition; Hereditary neoplastic syndrome. Identifiers: Orphanet 140162, MedGen C0027672, MeSH D009386, MONDO:0015356.
Familial cancer of breast. Also called: Hereditary breast cancer; hereditary breast carcinoma; BREAST CANCER, FAMILIAL. Identifiers: Orphanet 227535, MedGen C0346153, MONDO:0016419, OMIM 114480. Disease mechanism: loss of function.
Ataxia-telangiectasia syndrome (AT). Also called: Ataxia telangiectasia (A-T); Ataxia-telangiectasia, complementation group E; LOUIS-BAR SYNDROME; Cerebello-oculocutaneous telangiectasia; Immunodeficiency with ataxia telangiectasia; Ataxia-telangiectasia, complementation group D. Identifiers: Orphanet 100, MedGen C0004135, MONDO:0008840, OMIM 208900.

Allele frequency attached by ClinVar (database versions not stated): gnomAD exomes below 0.00001 and 0.00001; TOPMed below 0.00001; gnomAD 0.00001.
gnomAD v4.1: 6 of 1,613,842 alleles (0.00037%); highest among the groups gnomAD compares: Admixed American, 0.005%; no homozygotes.

Submissions (8):

Labcorp Genetics (formerly Invitae), Labcorp
Classification: Likely benign for Ataxia-telangiectasia syndrome. Last evaluated: 2025-08-28. Review status: criteria provided, single submitter. Criteria: Invitae Variant Classification Sherloc (09022015). Collection method: clinical testing. Allele origin: germline.

Myriad Genetics, Inc.
Classification: Benign for Familial cancer of breast. Last evaluated: 2024-05-16. Review status: criteria provided, single submitter. Criteria: Myriad Autosomal Dominant, Autosomal Recessive and X-Linked Classification Criteria (2023). Collection method: clinical testing. Allele origin: unknown.
Comment: This variant is considered benign. This variant is a silent/synonymous amino acid change and it is not expected to impact splicing.

CHEO Genetics Diagnostic Laboratory, Children's Hospital of Eastern Ontario
Classification: Likely benign for Breast and/or ovarian cancer. Last evaluated: 2022-05-25. Review status: criteria provided, single submitter. Criteria: ACMG Guidelines, 2015. Collection method: clinical testing. Allele origin: germline.

Athena Diagnostics
Classification: Likely benign. Last evaluated: 2021-05-14. Review status: criteria provided, single submitter. Criteria: Athena Diagnostics criteria. Collection method: clinical testing. Allele origin: unknown.

Department of Pathology and Laboratory Medicine, Sinai Health System
Classification: Likely benign for Familial cancer of breast. Last evaluated: 2019-10-29. Review status: criteria provided, single submitter. Criteria: ACMG Guidelines, 2015. Collection method: clinical testing. Allele origin: germline. Affected: yes.

Color Diagnostics, LLC DBA Color Health
Classification: Likely benign for Hereditary cancer-predisposing syndrome. Last evaluated: 2019-01-13. Review status: criteria provided, single submitter. Criteria: ACMG Guidelines, 2015. Collection method: clinical testing. Allele origin: germline.

Illumina Laboratory Services, Illumina
Classification: Uncertain significance for Ataxia-telangiectasia syndrome. Last evaluated: 2018-01-12. Review status: criteria provided, single submitter. Criteria: ICSL Variant Classification Criteria 13 December 2019. Collection method: clinical testing. Allele origin: germline.

Ambry Genetics
Classification: Likely benign for Hereditary cancer-predisposing syndrome. Last evaluated: 2016-09-16. Review status: criteria provided, single submitter. Criteria: Ambry Variant Classification Scheme 2023. Collection method: clinical testing. Allele origin: germline.

NM_000051.4(ATM):c.3982T>C (p.Leu1328=)

Gene: ATM (ATM serine/threonine kinase; plus strand). Cytogenetic location: 11q22.3.
Variant type: single nucleotide variant.
Coding change: c.3982T>C on transcript NM_000051.4 (MANE Select); coding-DNA position 3982, T replaced by C.
Protein change: p.Leu1328=; no amino-acid change (leucine 1328 retained).
Molecular consequence: synonymous variant.
Genome position (GRCh38, 1-based): chr11:108,284,462, T>C. VCF-style: chr11-108284462-T-C. GRCh37 (hg19) VCF-style: chr11-108155189-T-C.
Other names: c.3982T>C, p.Leu1328= (NM_001351834.2).
Identifiers: ClinVar variation 229801 (VCV000229801.25), dbSNP rs876658204, ClinGen allele CA10579130.